The following is an entry in ClinVar:

NM_001308210.2(TSHZ1):c.470C>T (p.Thr157Ile)

Gene: TSHZ1 (teashirt zinc finger homeobox 1; plus strand). Cytogenetic location: 18q22.3.
Variant type: single nucleotide variant.
Coding change: c.470C>T on transcript NM_001308210.2 (MANE Select); coding-DNA position 470, C replaced by T.
Protein change: p.Thr157Ile; replaces threonine 157 with isoleucine.
Molecular consequence: missense variant.
Genome position (GRCh38, 1-based): chr18:75,285,877, C>T. VCF-style: chr18-75285877-C-T. GRCh37 (hg19) VCF-style: chr18-72997832-C-T.
Other names: c.335C>T, p.Thr112Ile (NM_005786.6); short protein forms T112I, T157I.
Identifiers: ClinVar variation 3050644 (VCV003050644.2), dbSNP rs200439069, ClinGen allele CA9001818.

ClinVar aggregate classification (germline): Benign (0 of 4 stars; one submission).

Conditions:
TSHZ1-related disorder. Also called: TSHZ1-related condition.

Allele frequency attached by ClinVar (database versions not stated): 1000 Genomes Project 30x 0.00094; 1000 Genomes Project 0.00120; gnomAD 0.00173; ExAC 0.00424.

Submission:

PreventionGenetics, part of Exact Sciences
Classification: Benign for TSHZ1-related condition. Last evaluated: 2019-07-12. Review status: no assertion criteria provided. Collection method: clinical testing. Allele origin: germline.
Comment: This variant is classified as benign based on ACMG/AMP sequence variant interpretation guidelines (Richards et al. 2015 PMID: 25741868, with internal and published modifications).